The following is an entry in ClinVar:

ClinVar aggregate classification (germline): Uncertain significance (1 of 4 stars; one submission).

Conditions:
Hereditary cancer-predisposing syndrome. Also called: Hereditary Cancer Syndrome; Hereditary neoplastic syndrome; Neoplastic Syndromes, Hereditary; Tumor predisposition. Identifiers: Orphanet 140162, MedGen C0027672, MeSH D009386, MONDO:0015356.

Allele frequency attached by ClinVar (database versions not stated): gnomAD exomes below 0.00001.
gnomAD v4.1: 1 of 1,613,904 alleles (0.000062%); highest among the groups gnomAD compares: Non-Finnish European, 0.000085%; no homozygotes.

Submission:

Ambry Genetics
Classification: Uncertain significance for Hereditary cancer-predisposing syndrome. Last evaluated: 2022-06-06. Review status: criteria provided, single submitter. Criteria: Ambry Variant Classification Scheme 2023. Collection method: clinical testing. Allele origin: germline.
Comment: The p.T493R variant (also known as c.1478C>G), located in coding exon 13 of the BAP1 gene, results from a C to G substitution at nucleotide position 1478. The threonine at codon 493 is replaced by arginine, an amino acid with similar properties. This amino acid position is highly conserved in available vertebrate species. In addition, this alteration is predicted to be deleterious by in silico analysis. Since supporting evidence is limited at this time, the clinical significance of this alteration remains unclear.

NM_004656.4(BAP1):c.1478C>G (p.Thr493Arg)

Gene: BAP1 (BRCA1 associated deubiquitinase 1; minus strand). Cytogenetic location: 3p21.1.
Variant type: single nucleotide variant.
Coding change: c.1478C>G on transcript NM_004656.4 (MANE Select); coding-DNA position 1478, C replaced by G.
Protein change: p.Thr493Arg; replaces threonine 493 with arginine.
Molecular consequence: missense variant.
Genome position (GRCh38, 1-based): chr3:52,403,667, G>C on the plus strand (C>G on the coding strand, the complement: BAP1 is on the minus strand). VCF-style: chr3-52403667-G-C. GRCh37 (hg19) VCF-style: chr3-52437683-G-C.
Other names: c.1424C>G, p.Thr475Arg (NM_001410772.1); short protein forms T493R, T475R.
Identifiers: ClinVar variation 1773491 (VCV001773491.2), dbSNP rs2153226701, ClinGen allele CA353101080.
Genomic context (GRCh38, chr3:52,403,667, plus strand): 5'-GAGCGGATAGGCGAGCGCAGTGGCGAGTTGAAAGCACTGCCGATCTCAGAGGCCGTGTCT[G>C]TACTCTCATTGCTGGGGGTGGGTGAGGGCTGCGAGTGTGTGGGCACTGCCACAGCCGGAC-3'
Protein context (NP_004647.1, residues 483-503): QPSPTPSNES[Thr493Arg]DTASEIGSAF